The following is an entry in ClinVar:

ClinVar aggregate classification (germline): Uncertain significance (1 of 4 stars; one submission).

gnomAD v4.1: 1 of 1,598,934 alleles (0.000063%); highest among the groups gnomAD compares: Admixed American, 0.0018%; no homozygotes.

Submission:

Ambry Genetics
Classification: Uncertain significance. Last evaluated: 2025-07-12. Review status: criteria provided, single submitter. Criteria: Ambry Variant Classification Scheme 2023. Collection method: clinical testing. Allele origin: germline.
Comment: The p.N249S variant (also known as c.746A>G), located in coding exon 8 of the SLMAP gene, results from an A to G substitution at nucleotide position 746. The asparagine at codon 249 is replaced by serine, an amino acid with highly similar properties. This amino acid position is conserved. In addition, this alteration is predicted to be tolerated by in silico analysis. Based on the available evidence, the clinical significance of this variant remains unclear.

NM_001377540.1(SLMAP):c.746A>G (p.Asn249Ser)

Gene: SLMAP (sarcolemma associated protein; plus strand). Cytogenetic location: 3p14.3.
Variant type: single nucleotide variant.
Coding change: c.746A>G on transcript NM_001377540.1 (MANE Select); coding-DNA position 746, A replaced by G.
Protein change: p.Asn249Ser; replaces asparagine 249 with serine.
Molecular consequence: missense variant. On other transcripts: non-coding transcript variant (1).
Genome position (GRCh38, 1-based): chr3:57,860,757, A>G. VCF-style: chr3-57860757-A-G. GRCh37 (hg19) VCF-style: chr3-57846484-A-G.
Other names: c.746A>G, p.Asn249Ser (NM_001377542.1, NM_001377545.1, NM_001377549.1 and 17 more transcripts); short protein forms N249S.
Identifiers: ClinVar variation 4169929 (VCV004169929.1).